The following is an entry in ClinVar:

ClinVar aggregate classification (germline): Likely pathogenic (1 of 4 stars; one submission).

Submission:

Labcorp Genetics (formerly Invitae), Labcorp
Classification: Likely pathogenic. Last evaluated: 2021-10-20. Review status: criteria provided, single submitter. Criteria: Invitae Variant Classification Sherloc (09022015). Collection method: clinical testing. Allele origin: germline.
Comment: This variant results in a copy number gain of the genomic region encompassing exon(s) 2 of the HMOX1 gene. While the exact position of this variant cannot be determined from the data, sub-genic copy number gains are generally in tandem (PMID: 25640679). This variant is predicted to be out-of-frame, and may result in an absent or disrupted protein product. Loss-of-function variants in HMOX1 are known to be pathogenic (PMID: 9884342, 21088618). In summary, the currently available evidence indicates that the variant is pathogenic, but additional data are needed to prove that conclusively. Therefore, this variant has been classified as Likely Pathogenic. This variant has not been reported in the literature in individuals affected with HMOX1-related conditions.

Literature cited by the submitters: PubMed 25640679; PubMed 9884342; PubMed 21088618.

NC_000022.10:g.(?_35779079)_(35779239_?)dup

Gene: HMOX1 (heme oxygenase 1; plus strand). Cytogenetic location: 22q12.3.
Variant type: Duplication.
Identifiers: ClinVar variation 2424358 (VCV002424358.3).